The following is an entry in ClinVar:

ClinVar aggregate classification (germline): Uncertain significance. Review status: criteria provided, multiple submitters, no conflicts (2 of 4 stars). 2 submissions from 2 submitters: Uncertain significance (2). Last evaluated 2026-03-11.

Submissions (2):

GeneDx
Classification: Uncertain significance. Last evaluated: 2026-03-11. Review status: criteria provided, single submitter. Criteria: GeneDx Variant Classification Process June 2021. Collection method: clinical testing. Allele origin: germline.
Comment: Not observed at significant frequency in large population cohorts (gnomAD); Frameshift variant predicted to result in abnormal protein length as the last 14 amino acid(s) are replaced with 23 different amino acid(s); Has not been previously published as pathogenic or benign to our knowledge

Labcorp Genetics (formerly Invitae), Labcorp
Classification: Uncertain significance. Last evaluated: 2021-05-25. Review status: criteria provided, single submitter. Criteria: Invitae Variant Classification Sherloc (09022015). Collection method: clinical testing. Allele origin: germline.
Comment: Experimental studies and prediction algorithms are not available or were not evaluated, and the functional significance of this variant is currently unknown. In summary, the available evidence is currently insufficient to determine the role of this variant in disease. Therefore, it has been classified as a Variant of Uncertain Significance. This variant has not been reported in the literature in individuals with PDZD7-related conditions. The frequency data for this variant in the population databases is considered unreliable, as metrics indicate insufficient coverage at this position in the ExAC database. This sequence change results in a frameshift in the PDZD7 gene (p.Gln1020Leufs*24). While this is not anticipated to result in nonsense mediated decay, it is expected to disrupt the last 14 amino acid(s) of the PDZD7 protein and extend the protein by 9 additional amino acid residues.

NM_001195263.2(PDZD7):c.3059_3062del (p.Gln1020fs)

Gene: PDZD7 (PDZ domain containing 7; minus strand). Cytogenetic location: 10q24.31.
Variant type: Deletion.
Coding change: c.3059_3062del on transcript NM_001195263.2 (MANE Select); coding-DNA positions 3059 to 3062, 4 bases deleted (AGAC; older notation c.3059_3062delAGAC).
Protein change: p.Gln1020fs; shifts the reading frame from glutamine 1020.
Molecular consequence: frameshift variant.
Genome position (GRCh38, 1-based): chr10:101,008,507-101,008,510, GTCT deleted on the plus strand (AGAC on the coding strand, the reverse complement: PDZD7 is on the minus strand); deleting any 4 consecutive bases within chr10:101,008,507-101,008,511 gives the same sequence; the c. name uses the placement nearest the transcript's 3' end. VCF-style (leftmost placement, unchanged base first): chr10-101008506-AGTCT-A. GRCh37 (hg19) VCF-style: chr10-102768263-AGTCT-A.
Other names: c.3059_3062del (NM_001195263.1); short protein forms Q1020fs.
Identifiers: ClinVar variation 1399667 (VCV001399667.7), dbSNP rs2133991857, ClinGen allele CA2573145455.